The following is an entry in ClinVar:

NM_001378452.1(ITPR1):c.93C>T (p.Gly31=)

Gene: ITPR1 (inositol 1,4,5-trisphosphate receptor type 1; plus strand). Cytogenetic location: 3p26.1.
Variant type: single nucleotide variant.
Coding change: c.93C>T on transcript NM_001378452.1 (MANE Select); coding-DNA position 93, C replaced by T.
Protein change: p.Gly31=; no amino-acid change (glycine 31 retained).
Molecular consequence: synonymous variant.
Genome position (GRCh38, 1-based): chr3:4,521,024, C>T. VCF-style: chr3-4521024-C-T. GRCh37 (hg19) VCF-style: chr3-4562708-C-T.
Other names: c.93C>T, p.Gly31= (NM_001099952.4, NM_001168272.2, NM_002222.7).
Identifiers: ClinVar variation 2854522 (VCV002854522.3), dbSNP rs2470197282, ClinGen allele CA432449882.
Genomic context (GRCh38, chr3:4,521,024, plus strand): 5'-ATAGTGCTAAGAGTTTCATTTTCATACACTTGACAGAGCATTTATCTGTCTTCTTTACAG[C>T]CTGGTTGATGATCGTTGTGTTGTACAGCCAGAAACCGGGGACCTTAACAATCCACCTAAG-3'
Protein context (NP_001365381.1, residues 21-41): GSTNGFISTL[Gly31=]LVDDRCVVQP

ClinVar aggregate classification (germline): Uncertain significance (1 of 4 stars; one submission).

Submission:

Labcorp Genetics (formerly Invitae), Labcorp
Classification: Uncertain significance. Last evaluated: 2023-04-09. Review status: criteria provided, single submitter. Criteria: Invitae Variant Classification Sherloc (09022015). Collection method: clinical testing. Allele origin: germline.
Comment: This variant is not present in population databases (gnomAD no frequency). This sequence change affects codon 31 of the ITPR1 mRNA. It is a 'silent' change, meaning that it does not change the encoded amino acid sequence of the ITPR1 protein. It affects a nucleotide within the consensus splice site. In summary, the available evidence is currently insufficient to determine the role of this variant in disease. Therefore, it has been classified as a Variant of Uncertain Significance. Algorithms developed to predict the effect of sequence changes on RNA splicing suggest that this variant is not likely to affect RNA splicing. This variant has not been reported in the literature in individuals affected with ITPR1-related conditions.